The following is an entry in ClinVar:

ClinVar aggregate classification (germline): Uncertain significance (1 of 4 stars; one submission).

gnomAD v4.1: 1 of 1,614,170 alleles (0.000062%); highest among the groups gnomAD compares: Non-Finnish European, 0.000085%; no homozygotes.

Submission:

GeneDx
Classification: Uncertain significance. Last evaluated: 2024-06-10. Review status: criteria provided, single submitter. Criteria: GeneDx Variant Classification Process June 2021. Collection method: clinical testing. Allele origin: germline. Affected: yes.
Comment: Not observed at significant frequency in large population cohorts (gnomAD); In silico analysis supports that this missense variant has a deleterious effect on protein structure/function; Has not been previously published as pathogenic or benign to our knowledge

NM_172362.3(KCNH1):c.1582G>A (p.Val528Met)

Gene: KCNH1 (potassium voltage-gated channel subfamily H member 1; minus strand). Cytogenetic location: 1q32.2.
Variant type: single nucleotide variant.
Coding change: c.1582G>A on transcript NM_172362.3 (MANE Select); coding-DNA position 1582, G replaced by A.
Protein change: p.Val528Met; replaces valine 528 with methionine.
Molecular consequence: missense variant.
Genome position (GRCh38, 1-based): chr1:210,804,047, C>T on the plus strand (G>A on the coding strand, the complement: KCNH1 is on the minus strand). VCF-style: chr1-210804047-C-T. GRCh37 (hg19) VCF-style: chr1-210977389-C-T.
Other names: c.1501G>A, p.Val501Met (NM_002238.4); short protein forms V501M, V528M.
Identifiers: ClinVar variation 3390837 (VCV003390837.1).